The following is an entry in ClinVar:

ClinVar aggregate classification (germline): Pathogenic (1 of 4 stars; one submission).

Conditions:
Congenital myopathy with fiber type disproportion. Also called: Congenital fiber-type disproportion; Congenital fiber-type disproportion myopathy. Identifiers: Orphanet 2020, MedGen C0546264, MONDO:0009711. Inheritance: all.
Congenital myopathy 4B, autosomal recessive. Also called: Nemaline myopathy 1, autosomal dominant or recessive. Identifiers: Orphanet 171433, Orphanet 171439, Orphanet 171881, MedGen C5829889, MONDO:0012239, OMIM 609284.

Submission:

Labcorp Genetics (formerly Invitae), Labcorp
Classification: Pathogenic for Congenital myopathy with fiber type disproportion; Congenital myopathy 4B, autosomal recessive. Last evaluated: 2025-08-23. Review status: criteria provided, single submitter. Criteria: Invitae Variant Classification Sherloc (09022015). Collection method: clinical testing. Allele origin: germline.
Comment: This sequence change creates a premature translational stop signal (p.Thr230Asnfs*2) in the TPM3 gene. It is expected to result in an absent or disrupted protein product. Loss-of-function variants in TPM3 are known to be pathogenic (PMID: 10619715, 27858751). This variant is not present in population databases (gnomAD no frequency). This variant has not been reported in the literature in individuals affected with TPM3-related conditions. For these reasons, this variant has been classified as Pathogenic.

Literature cited by the submitters: PubMed 10619715; PubMed 27858751.

NM_152263.4(TPM3):c.688dup (p.Thr230fs)

Gene: TPM3 (tropomyosin 3; minus strand). Cytogenetic location: 1q21.3.
Variant type: Duplication.
Coding change: c.688dup on transcript NM_152263.4 (MANE Select); coding-DNA position 688, one base duplicated (A; older notation c.688dupA).
Protein change: p.Thr230fs; shifts the reading frame from threonine 230.
Molecular consequence: frameshift variant. On other transcripts: non-coding transcript variant (1), intron variant (1).
Genome position (GRCh38, 1-based): chr1:154,170,666, T duplicated on the plus strand (A on the coding strand, the reverse complement: TPM3 is on the minus strand). VCF-style (leftmost placement, unchanged base first): chr1-154170665-G-GT. GRCh37 (hg19) VCF-style: chr1-154143141-G-GT.
Other names: c.577dup, p.Thr193fs (NM_001043351.2, NM_001043352.2, NM_001043353.2 and 4 more transcripts); c.379dup, p.Thr127fs (NM_001278188.2); c.307dup, p.Thr103fs (NM_001278191.2); c.688dup, p.Thr230fs (NM_001364679.2, NM_001364680.2, NM_001364681.2 and 1 more transcripts); c.532-197dup (NM_001278190.2); short protein forms T127fs, T193fs, T103fs, T230fs.
Identifiers: ClinVar variation 4785939 (VCV004785939.1).